The following is an entry in ClinVar:

NM_001171613.2(PREPL):c.1261C>T (p.Arg421Ter)

Gene: PREPL (prolyl endopeptidase like; minus strand). Cytogenetic location: 2p21.
Variant type: single nucleotide variant.
Coding change: c.1261C>T on transcript NM_001171613.2 (MANE Select); coding-DNA position 1261, C replaced by T.
Protein change: p.Arg421Ter; replaces arginine 421 with a stop codon.
Molecular consequence: nonsense.
Genome position (GRCh38, 1-based): chr2:44,328,938, G>A on the plus strand (C>T on the coding strand, the complement: PREPL is on the minus strand). VCF-style: chr2-44328938-G-A. GRCh37 (hg19) VCF-style: chr2-44556077-G-A.
Other names: c.1342C>T, p.Arg448Ter (NM_001042385.2); c.1330C>T, p.Arg444Ter (NM_001042386.2); c.1528C>T, p.Arg510Ter (NM_001171603.1, NM_001171606.2, NM_001374275.1 and 2 more transcripts); c.1261C>T, p.Arg421Ter (NM_001171617.1, NM_001374277.1); short protein forms R421*, R444*, R448*, R510*.
Identifiers: ClinVar variation 1424295 (VCV001424295.6), dbSNP rs779879227, ClinGen allele CA46537444.

ClinVar aggregate classification (germline): Pathogenic (1 of 4 stars; one submission).

Conditions:
Myasthenic syndrome, congenital, 22 (CMS22). Also called: PREPL DEFICIENCY. Identifiers: MedGen C4479088, MONDO:0044299, OMIM 616224.

gnomAD v4.1: 6 of 1,610,746 alleles (0.00037%); highest among the groups gnomAD compares: African/African-American, 0.0027%; no homozygotes.

Submission:

Labcorp Genetics (formerly Invitae), Labcorp
Classification: Pathogenic for Myasthenic syndrome, congenital, 22. Last evaluated: 2024-12-03. Review status: criteria provided, single submitter. Criteria: Invitae Variant Classification Sherloc (09022015). Collection method: clinical testing. Allele origin: germline.
Comment: This sequence change creates a premature translational stop signal (p.Arg510*) in the PREPL gene. It is expected to result in an absent or disrupted protein product. Loss-of-function variants in PREPL are known to be pathogenic (PMID: 24610330, 28726805, 29913539). This variant is present in population databases (rs779879227, gnomAD 0.01%). This premature translational stop signal has been observed in individual(s) with congenital myasthenic syndrome (PMID: 32707643). ClinVar contains an entry for this variant (Variation ID: 1424295). For these reasons, this variant has been classified as Pathogenic.

Literature cited by the submitters: PubMed 24610330; PubMed 28726805; PubMed 29913539; PubMed 32707643.